The following is an entry in ClinVar:

ClinVar aggregate classification (germline): Benign/Likely benign. Review status: criteria provided, multiple submitters, no conflicts (2 of 4 stars). 4 submissions from 4 submitters: Benign (2); Likely benign (2). Last evaluated 2025-12-24.

Conditions:
Microcephaly, normal intelligence and immunodeficiency (NBS). Also called: Microcephaly with normal intelligence immunodeficiency and lymphoreticular malignancies; Nonsyndromal microcephaly autosomal recessive with normal intelligence; Seemanova syndrome 2; Nijmegen breakage syndrome; BERLIN BREAKAGE SYNDROME; IMMUNODEFICIENCY, MICROCEPHALY, AND CHROMOSOMAL INSTABILITY. Identifiers: Orphanet 647, MedGen C0398791, MONDO:0009623, OMIM 251260.

Allele frequency attached by ClinVar (database versions not stated): gnomAD 0.00004; TOPMed 0.00004; gnomAD exomes 0.00005 and 0.00006; ExAC 0.00007; 1000 Genomes Project 30x 0.00016; 1000 Genomes Project 0.00020; ESP Exome Variant Server 0.00023.
gnomAD v4.1: 78 of 1,609,060 alleles (0.0048%); highest among the groups gnomAD compares: East Asian, 0.013%; no homozygotes.

Submissions (4):

Labcorp Genetics (formerly Invitae), Labcorp
Classification: Likely benign for Microcephaly, normal intelligence and immunodeficiency. Last evaluated: 2025-12-24. Review status: criteria provided, single submitter. Criteria: Invitae Variant Classification Sherloc (09022015). Collection method: clinical testing. Allele origin: germline.

KCCC/NGS Laboratory, Kuwait Cancer Control Center
Classification: Benign for Microcephaly, normal intelligence and immunodeficiency. Last evaluated: 2025-02-01. Review status: criteria provided, single submitter. Criteria: ACMG Guidelines, 2015. Collection method: clinical testing. Allele origin: germline. Affected: no.

Blueprint Genetics
Classification: Likely benign. Last evaluated: 2022-09-21. Review status: criteria provided, single submitter. Criteria: ACMG Guidelines, 2015. Collection method: clinical testing. Allele origin: germline.

GeneDx
Classification: Benign. Last evaluated: 2015-04-23. Review status: criteria provided, single submitter. Criteria: GeneDx Variant Classification (06012015). Collection method: clinical testing. Allele origin: germline. Affected: yes.
Comment: This variant is considered likely benign or benign based on one or more of the following criteria: it is a conservative change, it occurs at a poorly conserved position in the protein, it is predicted to be benign by multiple in silico algorithms, and/or has population frequency not consistent with disease.

NM_002485.5(NBN):c.1124+20G>A

Gene: NBN (nibrin; minus strand). Cytogenetic location: 8q21.3.
Variant type: single nucleotide variant.
Coding change: c.1124+20G>A on transcript NM_002485.5 (MANE Select); 20 bases into the intron after coding-DNA position 1124, G replaced by A.
Molecular consequence: intron variant.
Genome position (GRCh38, 1-based): chr8:89,958,705, C>T on the plus strand (G>A on the coding strand, the complement: NBN is on the minus strand). VCF-style: chr8-89958705-C-T. GRCh37 (hg19) VCF-style: chr8-90970933-C-T.
Other names: c.878+20G>A (NM_001024688.3).
Identifiers: ClinVar variation 379516 (VCV000379516.12), dbSNP rs201436502, ClinGen allele CA4802800.
Genomic context (GRCh38, chr8:89,958,705, plus strand): 5'-ATAAAGGGCATTACTTCCTGAATATACTATTAATTTATTGATAGAATAATAACAATAGTA[C>T]GGTAATGAAGAAGCTTTACCATGTATCTGCTTGCTCTGATTCTGTGTCAGCTACGTATGT-3'